The following is an entry in ClinVar:

NM_016938.5(EFEMP2):c.931G>C (p.Asp311His)

Gene: EFEMP2 (EGF containing fibulin extracellular matrix protein 2; minus strand). Cytogenetic location: 11q13.1.
Variant type: single nucleotide variant.
Coding change: c.931G>C on transcript NM_016938.5 (MANE Select); coding-DNA position 931, G replaced by C.
Protein change: p.Asp311His; replaces aspartic acid 311 with histidine.
Molecular consequence: missense variant. On other transcripts: non-coding transcript variant (1).
Genome position (GRCh38, 1-based): chr11:65,868,338, C>G on the plus strand (G>C on the coding strand, the complement: EFEMP2 is on the minus strand). VCF-style: chr11-65868338-C-G. GRCh37 (hg19) VCF-style: chr11-65635809-C-G.
Other names: short protein forms D311H.
Identifiers: ClinVar variation 3629835 (VCV003629835.1).

ClinVar aggregate classification (germline): Uncertain significance (1 of 4 stars; one submission).

gnomAD v4.1: 5 of 1,613,890 alleles (0.00031%); highest among the groups gnomAD compares: East Asian, 0.011%; no homozygotes.

Submission:

Women's Health and Genetics/Laboratory Corporation of America, LabCorp
Classification: Uncertain significance. Last evaluated: 2024-11-04. Review status: criteria provided, single submitter. Criteria: LabCorp Variant Classification Summary - May 2015. Collection method: clinical testing. Allele origin: germline.
Comment: Variant summary: EFEMP2 c.931G>C (p.Asp311His) results in a non-conservative amino acid change located in the Calcium-binding EGF-like domain (IPR001881) of the encoded protein sequence. Four of five in-silico tools predict a damaging effect of the variant on protein function. The variant allele was found at a frequency of 8e-06 in 251032 control chromosomes. The available data on variant occurrences in the general population are insufficient to allow any conclusion about variant significance. To our knowledge, no occurrence of c.931G>C in individuals affected with Autosomal Recessive Cutis Laxa and no experimental evidence demonstrating its impact on protein function have been reported. No submitters have cited clinical-significance assessments for this variant to ClinVar. Based on the evidence outlined above, the variant was classified as uncertain significance.